The following is an entry in ClinVar:

ClinVar aggregate classification (germline): Benign/Likely benign. Review status: criteria provided, multiple submitters, no conflicts (2 of 4 stars). 5 submissions from 5 submitters: Benign (1); Likely benign (4). Last evaluated 2025-08-27.

Conditions:
Hereditary cancer-predisposing syndrome. Also called: Neoplastic Syndromes, Hereditary; Tumor predisposition; Hereditary Cancer Syndrome; Hereditary neoplastic syndrome. Identifiers: Orphanet 140162, MedGen C0027672, MeSH D009386, MONDO:0015356.
Familial cancer of breast. Also called: BREAST CANCER, FAMILIAL; Hereditary breast cancer; hereditary breast carcinoma. Identifiers: Orphanet 227535, MedGen C0346153, MONDO:0016419, OMIM 114480. Disease mechanism: loss of function.

Allele frequency attached by ClinVar (database versions not stated): TOPMed below 0.00001.

Submissions (5):

Institute for Biomarker Research, Medical Diagnostic Laboratories, L.L.C.
Classification: Likely benign for Hereditary cancer-predisposing syndrome. Last evaluated: 2025-08-27. Review status: criteria provided, single submitter. Criteria: ACMG Guidelines, 2015. Collection method: clinical testing. Allele origin: germline.
Comment: The synonymous variant NM_001005735.2(CHEK2):c.1401T>C (p.Tyr467=) has been reported to ClinVar as Benign/Likely benign with a status of (2 stars) criteria provided, multiple submitters, no conflicts (Variation ID 481718 as of 2025-08-07). The p.Tyr467= variant is novel (not in any individuals) in 1kG. The p.Tyr467= variant is not predicted to disrupt the existing acceptor splice site 13bp upstream by any splice site algorithm. For these reasons, this variant has been classified as Likely Benign.

Myriad Genetics, Inc.
Classification: Benign for Familial cancer of breast. Last evaluated: 2024-10-07. Review status: criteria provided, single submitter. Criteria: Myriad Autosomal Dominant, Autosomal Recessive and X-Linked Classification Criteria (2023). Collection method: clinical testing. Allele origin: unknown.
Comment: This variant is considered benign. This variant is a silent/synonymous amino acid change and it is not expected to impact splicing.

Labcorp Genetics (formerly Invitae), Labcorp
Classification: Likely benign for Familial cancer of breast. Last evaluated: 2022-12-13. Review status: criteria provided, single submitter. Criteria: Invitae Variant Classification Sherloc (09022015). Collection method: clinical testing. Allele origin: germline.

Color Diagnostics, LLC DBA Color Health
Classification: Likely benign for Hereditary cancer-predisposing syndrome. Last evaluated: 2021-05-17. Review status: criteria provided, single submitter. Criteria: ACMG Guidelines, 2015. Collection method: clinical testing. Allele origin: germline.

Ambry Genetics
Classification: Likely benign for Hereditary cancer-predisposing syndrome. Last evaluated: 2016-06-16. Review status: criteria provided, single submitter. Criteria: Ambry Variant Classification Scheme 2023. Collection method: clinical testing. Allele origin: germline.

NM_007194.4(CHEK2):c.1272T>C (p.Tyr424=)

Gene: CHEK2 (checkpoint kinase 2; minus strand). Cytogenetic location: 22q12.1.
Variant type: single nucleotide variant.
Coding change: c.1272T>C on transcript NM_007194.4 (MANE Select); coding-DNA position 1272, T replaced by C.
Protein change: p.Tyr424=; no amino-acid change (tyrosine 424 retained).
Molecular consequence: synonymous variant.
Genome position (GRCh38, 1-based): chr22:28,695,230, A>G on the plus strand (T>C on the coding strand, the complement: CHEK2 is on the minus strand). VCF-style: chr22-28695230-A-G. GRCh37 (hg19) VCF-style: chr22-29091218-A-G.
Other names: c.1401T>C, p.Tyr467= (NM_001005735.3); c.609T>C, p.Tyr203= (NM_001257387.3); c.1071T>C, p.Tyr357= (NM_001349956.3); c.1185T>C, p.Tyr395= (NM_145862.3).
Identifiers: ClinVar variation 481718 (VCV000481718.18), dbSNP rs1257494163, ClinGen allele CA513944843.